The following is an entry in ClinVar:

NM_014874.4(MFN2):c.2239A>T (p.Met747Leu)

Gene: MFN2 (mitofusin 2; plus strand). Cytogenetic location: 1p36.22.
Variant type: single nucleotide variant.
Coding change: c.2239A>T on transcript NM_014874.4 (MANE Select); coding-DNA position 2239, A replaced by T.
Protein change: p.Met747Leu; replaces methionine 747 with leucine.
Molecular consequence: missense variant.
Genome position (GRCh38, 1-based): chr1:12,011,530, A>T. VCF-style: chr1-12011530-A-T. GRCh37 (hg19) VCF-style: chr1-12071587-A-T.
Other names: c.2239A>T, p.Met747Leu (NM_001127660.2); short protein forms M747L.
Identifiers: ClinVar variation 1437929 (VCV001437929.6), dbSNP rs1259403735, ClinGen allele CA338454400.

ClinVar aggregate classification (germline): Uncertain significance (1 of 4 stars; one submission).

Conditions:
Charcot-Marie-Tooth disease type 2. Also called: Charcot-Marie-Tooth type 2. Identifiers: Orphanet 64746, MedGen C0270914, MONDO:0018993.

gnomAD v4.1: 1 of 1,614,166 alleles (0.000062%); highest among the groups gnomAD compares: Non-Finnish European, 0.000085%; no homozygotes.

Submission:

Labcorp Genetics (formerly Invitae), Labcorp
Classification: Uncertain significance for Charcot-Marie-Tooth disease type 2. Last evaluated: 2024-01-08. Review status: criteria provided, single submitter. Criteria: Invitae Variant Classification Sherloc (09022015). Collection method: clinical testing. Allele origin: germline.
Comment: This sequence change replaces methionine, which is neutral and non-polar, with leucine, which is neutral and non-polar, at codon 747 of the MFN2 protein (p.Met747Leu). This variant is not present in population databases (gnomAD no frequency). This variant has not been reported in the literature in individuals affected with MFN2-related conditions. ClinVar contains an entry for this variant (Variation ID: 1437929). Advanced modeling of protein sequence and biophysical properties (such as structural, functional, and spatial information, amino acid conservation, physicochemical variation, residue mobility, and thermodynamic stability) performed at Invitae indicates that this missense variant is not expected to disrupt MFN2 protein function with a negative predictive value of 80%. This variant disrupts the p.Met747 amino acid residue in MFN2. Other variant(s) that disrupt this residue have been observed in individuals with MFN2-related conditions (PMID: 20008656, 28660751), which suggests that this may be a clinically significant amino acid residue. In summary, the available evidence is currently insufficient to determine the role of this variant in disease. Therefore, it has been classified as a Variant of Uncertain Significance.

Literature cited by the submitters: PubMed 20008656; PubMed 28660751.